The following is an entry in ClinVar:

NM_000352.6(ABCC8):c.4412-2A>G

Gene: ABCC8 (ATP binding cassette subfamily C member 8; minus strand). Cytogenetic location: 11p15.1.
Variant type: single nucleotide variant.
Coding change: c.4412-2A>G on transcript NM_000352.6 (MANE Select); the canonical splice acceptor site of the intron before coding-DNA position 4412, A replaced by G.
Molecular consequence: splice acceptor variant.
Genome position (GRCh38, 1-based): chr11:17,394,401, T>C on the plus strand (A>G on the coding strand, the complement: ABCC8 is on the minus strand). VCF-style: chr11-17394401-T-C. GRCh37 (hg19) VCF-style: chr11-17415948-T-C.
Other names: c.4412-2A>G (NM_000352.4, NM_001351296.2); c.4409-2A>G (NM_001351297.2); c.4478-2A>G (NM_001351295.2); c.4415-2A>G (NM_001287174.3).
Identifiers: ClinVar variation 557188 (VCV000557188.4), dbSNP rs1554904136, ClinGen allele CA379783869.

ClinVar aggregate classification (germline): Conflicting classifications of pathogenicity. Review status: criteria provided, conflicting classifications (1 of 4 stars). 4 submissions from 3 submitters: Pathogenic (1); Uncertain significance (2). 1 of the submissions does not count toward it. Last evaluated 2025-07-24.

Conditions:
Transitory neonatal diabetes mellitus. Also called: Transient neonatal diabetes mellitus. Identifiers: MedGen C0342273, MONDO:0020525, HP:0008255.
Maturity-onset diabetes of the young (MODY). Also called: Maturity onset diabetes mellitus in young. Identifiers: Orphanet 552, MedGen C0342276, MONDO:0018911, HP:0004904.
Hereditary hyperinsulinism.
Hyperinsulinemic hypoglycemia, familial, 1 (HHF1). Also called: Persistent hyperinsulinemic hypoglycemia of infancy; HYPERINSULINISM, FAMILIAL, WITH PANCREATIC NESIDIOBLASTOSIS; HYPOGLYCEMIA, HYPERINSULINEMIC, OF INFANCY; NESIDIOBLASTOSIS OF PANCREAS; Persistent Hyperinsulinemia Hypoglycemia of Infancy. Identifiers: Orphanet 276575, Orphanet 276598, MedGen C2931832, MONDO:0009734, OMIM 256450.

Submissions (4):

Natera, Inc.
Classification: Pathogenic for Hereditary hyperinsulinism. Last evaluated: 2025-07-24. Review status: criteria provided, single submitter. Criteria: Natera Variant Classification Schema (03/2026). Collection method: clinical testing. Allele origin: germline.
Comment: The c.4412-2A>G variant in ABCC8 is a canonical splice acceptor site variant predicted to affect pre-mRNA splicing, which may result in an abnormal transcript and altered protein product. This variant is expected to result in nonsense mediated decay, truncation, or a dysfunctional protein product. This variant is rare in the general population with a frequency below the threshold expected for the associated phenotype(s). This variant has been observed in one or more individuals affected with the associated recessive disease, as either homozygous or compound heterozygous with a second variant (PMID: 25765446). Functional studies show that this variant may disrupt protein function (PMID: 39367156). Given the available evidence, this variant is classified as Pathogenic.

Clinical Genomics, Uppaluri K&H Personalized Medicine Clinic
Classification: Uncertain significance for Maturity-onset diabetes of the young. Review status: criteria provided, single submitter. Criteria: K & H Uppaluri Personalized Medicine Clinic Variant Classification & Assertion Criteria_Updated V.1. Collection method: research. Allele origin: somatic. Inheritance: Somatic mutation.
Comment: Mutations in ABCC8 gene are associated with both neonatal diabetes mellitus as well as MODY. Patients with this mutation may have a better response to sulfonylureas. However, no sufficient evidence is found to ascertain the role of this particular variant ( rs1554904136) in MODY yet.

Clinical Genomics, Uppaluri K&H Personalized Medicine Clinic
Classification: Uncertain significance for Transitory neonatal diabetes mellitus. Review status: criteria provided, single submitter. Criteria: K & H Uppaluri Personalized Medicine Clinic Variant Classification & Assertion Criteria_Updated V.1. Collection method: research. Allele origin: somatic. Inheritance: Somatic mutation.
Comment: Mutations in ABCC8 gene are associated with both neonatal diabetes mellitus as well as MODY. Patients with this mutation may have a better response to sulfonylureas. However, no sufficient evidence is found to ascertain the role of this particular variant ( rs1554904136 ) in neonatal diabetes yet.

Counsyl
Classification: Likely pathogenic for Hyperinsulinemic hypoglycemia, familial, 1. Last evaluated: 2018-03-12. Review status: no assertion criteria provided. Collection method: clinical testing. Allele origin: unknown. Not counted in ClinVar's aggregate classification.

Literature cited by the submitters: PubMed 25765446 (cited by Natera, Inc. and Counsyl); PubMed 39367156 (cited by Natera, Inc.); PubMed 16885549 (cited by Clinical Genomics, Uppaluri K&H Personalized Medicine Clinic); PubMed 21989597 (cited by Clinical Genomics, Uppaluri K&H Personalized Medicine Clinic); PubMed 27538677 (cited by Clinical Genomics, Uppaluri K&H Personalized Medicine Clinic); PubMed 18981553 (cited by Clinical Genomics, Uppaluri K&H Personalized Medicine Clinic); PubMed 32027066 (cited by Clinical Genomics, Uppaluri K&H Personalized Medicine Clinic); PubMed 16613899 (cited by Clinical Genomics, Uppaluri K&H Personalized Medicine Clinic); PubMed 18025408 (cited by Clinical Genomics, Uppaluri K&H Personalized Medicine Clinic); PubMed 32792356 (cited by Clinical Genomics, Uppaluri K&H Personalized Medicine Clinic).